The following is an entry in ClinVar:

NM_016097.5(IER3IP1):c.13C>G (p.Leu5Val)

Gene: IER3IP1 (immediate early response 3 interacting protein 1; minus strand). Cytogenetic location: 18q21.1.
Variant type: single nucleotide variant.
Coding change: c.13C>G on transcript NM_016097.5 (MANE Select); coding-DNA position 13, C replaced by G.
Protein change: p.Leu5Val; replaces leucine 5 with valine.
Molecular consequence: missense variant.
Genome position (GRCh38, 1-based): chr18:47,176,265, G>C on the plus strand (C>G on the coding strand, the complement: IER3IP1 is on the minus strand). VCF-style: chr18-47176265-G-C. GRCh37 (hg19) VCF-style: chr18-44702636-G-C.
Other names: short protein forms L5V.
Identifiers: ClinVar variation 1521215 (VCV001521215.5), dbSNP rs749363298, ClinGen allele CA8955750.

ClinVar aggregate classification (germline): Uncertain significance (1 of 4 stars; one submission).

Conditions:
Microcephaly, epilepsy, and diabetes syndrome. Identifiers: Orphanet 306558, MedGen C3280240, MONDO:0100328.

Allele frequency attached by ClinVar (database versions not stated): TOPMed 0.00003; gnomAD 0.00004.
gnomAD v4.1: 48 of 1,609,250 alleles (0.003%); highest among the groups gnomAD compares: Middle Eastern, 0.017%; no homozygotes.

Submission:

Labcorp Genetics (formerly Invitae), Labcorp
Classification: Uncertain significance for Microcephaly, epilepsy, and diabetes syndrome. Last evaluated: 2022-07-06. Review status: criteria provided, single submitter. Criteria: Invitae Variant Classification Sherloc (09022015). Collection method: clinical testing. Allele origin: germline.
Comment: This sequence change replaces leucine, which is neutral and non-polar, with valine, which is neutral and non-polar, at codon 5 of the IER3IP1 protein (p.Leu5Val). This variant is present in population databases (rs749363298, gnomAD 0.003%). This variant has not been reported in the literature in individuals affected with IER3IP1-related conditions. ClinVar contains an entry for this variant (Variation ID: 1521215). Algorithms developed to predict the effect of missense changes on protein structure and function are either unavailable or do not agree on the potential impact of this missense change (SIFT: "Deleterious"; PolyPhen-2: "Possibly Damaging"; Align-GVGD: "Class C0"). In summary, the available evidence is currently insufficient to determine the role of this variant in disease. Therefore, it has been classified as a Variant of Uncertain Significance.